The following is an entry in ClinVar:

NM_003307.4(TRPM2):c.1805T>C (p.Val602Ala)

Gene: TRPM2 (transient receptor potential cation channel subfamily M member 2; plus strand). Cytogenetic location: 21q22.3.
Variant type: single nucleotide variant.
Coding change: c.1805T>C on transcript NM_003307.4 (MANE Select); coding-DNA position 1805, T replaced by C.
Protein change: p.Val602Ala; replaces valine 602 with alanine.
Molecular consequence: missense variant. On other transcripts: non-coding transcript variant (1).
Genome position (GRCh38, 1-based): chr21:44,395,424, T>C. VCF-style: chr21-44395424-T-C. GRCh37 (hg19) VCF-style: chr21-45815307-T-C.
Other names: c.1805T>C, p.Val602Ala (NM_001320350.2, NM_001320351.2); short protein forms V602A.
Identifiers: ClinVar variation 778911 (VCV000778911.28), dbSNP rs149930126, ClinGen allele CA10054669.
Genomic context (GRCh38, chr21:44,395,424, plus strand): 5'-CTCTGAGCCAGGCGGCCCGGCTGGGGCTCTGACAGTTCACTGCTCACCAGGTGCAGGGAG[T>C]GAGCCTCCGGTCCCTCTACAAGCGTTCCTCAGGCCATGTGACCTTCACCATGGACCCCAT-3'
Protein context (NP_003298.2, residues 592-612): VPHVKLNVQG[Val602Ala]SLRSLYKRSS

ClinVar aggregate classification (germline): Benign/Likely benign. Review status: criteria provided, multiple submitters, no conflicts (2 of 4 stars). 3 submissions from 3 submitters: Benign (1); Likely benign (2). Last evaluated 2023-09-01.

Allele frequency attached by ClinVar (database versions not stated): gnomAD exomes 0.00037 and 0.00063; ExAC 0.00065; 1000 Genomes Project 30x 0.00078; 1000 Genomes Project 0.00100; gnomAD 0.00136 and 0.00138; ESP Exome Variant Server 0.00154; TOPMed 0.00165.
gnomAD v4.1: 793 of 1,612,382 alleles (0.049%); highest among the groups gnomAD compares: Middle Eastern, 1.1%; 6 homozygotes.

Submissions (3):

CeGaT Center for Human Genetics Tuebingen
Classification: Benign. Last evaluated: 2023-09-01. Review status: criteria provided, single submitter. Criteria: CeGaT Center For Human Genetics Tuebingen Variant Classification Criteria Version 2. Collection method: clinical testing. Allele origin: germline. Affected: yes. Observed: 1 variant allele.
Comment: TRPM2: BP4, BS1, BS2

Labcorp Genetics (formerly Invitae), Labcorp
Classification: Likely benign. Last evaluated: 2018-06-06. Review status: criteria provided, single submitter. Criteria: Invitae Variant Classification Sherloc (09022015). Collection method: clinical testing. Allele origin: germline.

Breakthrough Genomics
Classification: Likely benign. Review status: criteria provided, single submitter. Criteria: ACMG Guidelines, 2015. Collection method: not provided. Allele origin: germline. Inheritance: Unknown mechanism. Affected: yes.